The following is an entry in ClinVar:

NM_006904.7(PRKDC):c.10847C>T (p.Ala3616Val)

Gene: PRKDC (protein kinase, DNA-activated, catalytic subunit; minus strand). Cytogenetic location: 8q11.21.
Variant type: single nucleotide variant.
Coding change: c.10847C>T on transcript NM_006904.7 (MANE Select); coding-DNA position 10847, C replaced by T.
Protein change: p.Ala3616Val; replaces alanine 3616 with valine.
Molecular consequence: missense variant.
Genome position (GRCh38, 1-based): chr8:47,788,961, G>A on the plus strand (C>T on the coding strand, the complement: PRKDC is on the minus strand). VCF-style: chr8-47788961-G-A. GRCh37 (hg19) VCF-style: chr8-48701522-G-A.
Other names: c.10847C>T, p.Ala3616Val (NM_001081640.2); short protein forms A3616V.
Identifiers: ClinVar variation 3310131 (VCV003310131.1).

ClinVar aggregate classification (germline): Uncertain significance (1 of 4 stars; one submission).

Submission:

Ambry Genetics
Classification: Uncertain significance. Last evaluated: 2024-04-24. Review status: criteria provided, single submitter. Criteria: Ambry Variant Classification Scheme 2023. Collection method: clinical testing. Allele origin: germline.
Comment: The p.A3616V variant (also known as c.10847C>T), located in coding exon 76 of the PRKDC gene, results from a C to T substitution at nucleotide position 10847. The alanine at codon 3616 is replaced by valine, an amino acid with similar properties. This amino acid position is conserved. Based on the available evidence, the clinical significance of this variant remains unclear.